The following is an entry in ClinVar:

NM_017757.3(ZNF407):c.4877+22509A>G

Gene: ZNF407 (zinc finger protein 407; plus strand). Cytogenetic location: 18q22.3.
Variant type: single nucleotide variant.
Coding change: c.4877+22509A>G on transcript NM_017757.3 (MANE Select); 22509 bases into the intron after coding-DNA position 4877, A replaced by G.
Molecular consequence: intron variant. On other transcripts: missense variant (1).
Genome position (GRCh38, 1-based): chr18:74,804,011, A>G. VCF-style: chr18-74804011-A-G. GRCh37 (hg19) VCF-style: chr18-72515967-A-G.
Other names: c.4925A>G, p.Asn1642Ser (NM_001146190.1); c.4877+22509A>G (NM_001384475.1, NM_001146189.1); short protein forms N1642S.
Identifiers: ClinVar variation 1700768 (VCV001700768.2), dbSNP rs577083074, ClinGen allele CA9000963.

ClinVar aggregate classification (germline): Uncertain significance (1 of 4 stars; one submission).

Allele frequency attached by ClinVar (database versions not stated): gnomAD exomes below 0.00001 and 0.00001; gnomAD 0.00001 and 0.00002; TOPMed 0.00003; ExAC 0.00005; 1000 Genomes Project 30x 0.00016; 1000 Genomes Project 0.00020.
gnomAD v4.1: 5 of 1,551,826 alleles (0.00032%); highest among the groups gnomAD compares: Admixed American, 0.0098%; no homozygotes.

Submission:

GeneDx
Classification: Uncertain significance. Last evaluated: 2022-02-10. Review status: criteria provided, single submitter. Criteria: GeneDx Variant Classification Process June 2021. Collection method: clinical testing. Allele origin: germline. Affected: yes.
Comment: In silico analysis supports that this missense variant does not alter protein structure/function; Has not been previously published as pathogenic or benign to our knowledge; Located in an alternate transcript of the gene